The following is an entry in ClinVar:

ClinVar aggregate classification (germline): Uncertain significance (1 of 4 stars; one submission).

Conditions:
SND1-related disorder. Also called: SND1-related condition.

Submission:

PreventionGenetics, part of Exact Sciences
Classification: Uncertain significance for SND1-related condition. Last evaluated: 2026-09-04. Review status: criteria provided, single submitter. Criteria: ACMG Guidelines, 2015. Collection method: clinical testing. Allele origin: germline.
Comment: The SND1 c.97A>T variant is predicted to result in the amino acid substitution p.Ile33Phe. To our knowledge, this variant has not been reported in the literature or in a large population database (gnomAD), indicating this variant is rare. At this time, the clinical significance of this variant is uncertain due to the absence of conclusive functional and genetic evidence.

NM_014390.4(SND1):c.97A>T (p.Ile33Phe)

Gene: SND1 (staphylococcal nuclease and tudor domain containing 1; plus strand). Cytogenetic location: 7q32.1.
Variant type: single nucleotide variant.
Coding change: c.97A>T on transcript NM_014390.4 (MANE Select); coding-DNA position 97, A replaced by T.
Protein change: p.Ile33Phe; replaces isoleucine 33 with phenylalanine.
Molecular consequence: missense variant.
Genome position (GRCh38, 1-based): chr7:127,686,631, A>T. VCF-style: chr7-127686631-A-T. GRCh37 (hg19) VCF-style: chr7-127326685-A-T.
Other names: short protein forms I33F.
Identifiers: ClinVar variation 3349057 (VCV003349057.2).